The following is an entry in ClinVar:

NM_000435.3(NOTCH3):c.6626dup (p.Pro2210fs)

Gene: NOTCH3 (notch receptor 3; minus strand). Cytogenetic location: 19p13.12.
Variant type: Duplication.
Coding change: c.6626dup on transcript NM_000435.3 (MANE Select); coding-DNA position 6626, one base duplicated (C; older notation c.6626dupC).
Protein change: p.Pro2210fs; shifts the reading frame from proline 2210.
Molecular consequence: frameshift variant.
Genome position (GRCh38, 1-based): chr19:15,161,002, G duplicated on the plus strand (C on the coding strand, the reverse complement: NOTCH3 is on the minus strand); the first of 5 consecutive G bases (chr19:15,161,002-15,161,006); duplicating any one gives the same sequence. VCF-style (leftmost placement, unchanged base first): chr19-15161001-C-CG. GRCh37 (hg19) VCF-style: chr19-15271812-C-CG.
Other names: short protein forms P2210fs.
Identifiers: ClinVar variation 694718 (VCV000694718.3), dbSNP rs1599359239, ClinGen allele CA915952536.

ClinVar aggregate classification (germline): Pathogenic/Likely pathogenic. Review status: criteria provided, multiple submitters, no conflicts (2 of 4 stars). 3 submissions from 3 submitters: Pathogenic (2); Likely pathogenic (1). Last evaluated 2025-05-20.

Conditions:
Lateral meningocele syndrome (LMNS). Also called: NOTCH3-Related Lateral Meningocele Syndrome. Identifiers: Orphanet 2789, MedGen C1851710, MONDO:0007537, OMIM 130720.
Cerebral arteriopathy, autosomal dominant, with subcortical infarcts and leukoencephalopathy, type 1 (CADASIL1). Also called: CADASIL 1; CASIL; Cerebral arteriopathy with subcortical infarcts and leukoencephalopathy 1; DEMENTIA, HEREDITARY MULTIINFARCT TYPE. Identifiers: Orphanet 136, MedGen C4551768, MONDO:0000914, OMIM 125310.

Submissions (3):

Variantyx, Inc.
Classification: Likely pathogenic for Cerebral arteriopathy, autosomal dominant, with subcortical infarcts and leukoencephalopathy, type 1. Last evaluated: 2025-05-20. Review status: criteria provided, single submitter. Criteria: Variantyx Assertion Criteria 2022. Collection method: clinical testing. Allele origin: germline. Inheritance: Autosomal dominant inheritance. Affected: yes.
Comment: This is a frameshift variant in the NOTCH3 gene (OMIM: 600276). Pathogenic variants in this gene have been associated with autosomal dominant lateral meningocele syndrome. The clinical symptoms reported for this individual are highly specific for autosomal dominant lateral meningocele syndrome, which has a limited genetic etiology (PMID: 25394726, 32141180) (PP4). This variant introduces a premature termination codon in exon 33 out of 33 and is not expected to result in nonsense-mediated mRNA decay. However, a truncated protein may be produced (PM4). This variant lies within a known hotspot for pathogenic variants or a well-established critical functional domain of the NOTCH3 protein (PM1). Nonsense and frameshift variants in the last exon are predicted to disrupt the PEST domain with gain-of-function effects (PMID: 25394726). This variant is absent from control populations (PM2_Supporting). Based on the current evidence, this variant is classified as likely pathogenic for autosomal dominant lateral meningocele sy

Clinical Genomics Laboratory, Washington University in St. Louis
Classification: Pathogenic for Lateral meningocele syndrome. Last evaluated: 2025-03-14. Review status: criteria provided, single submitter. Criteria: ACMG Guidelines, 2015. Collection method: clinical testing. Allele origin: germline. Affected: yes.
Comment: The NOTCH3 c.6626dup (p.Pro2210Alafs*32) variant has been reported in at least two individuals affected with lateral meningocele syndrome and is reported as a pathogenic variant by one submitter in ClinVar (Hsieh TC et al., PMID: 31164752). Additionally, other truncating variants have been reported in this region and are considered pathogenic (Gripp KW et al., PMID: 25394726). This variant causes a frameshift by duplicating a single nucleotide, leading to a premature termination codon; however, because this occurs in the last exon, this is not predicted to lead to nonsense mediated decay. Based on available information and the ACMG/AMP guidelines for variant interpretation (Richards S et al., PMID: 25741868), this variant is classified as pathogenic.

Institute for Genomic Statistics and Bioinformatics, University Hospital Bonn
Classification: Pathogenic for Lateral meningocele syndrome. Review status: criteria provided, single submitter. Criteria: ACMG Guidelines, 2015. Collection method: clinical testing. Allele origin: unknown. Affected: yes. Observed: 1 variant allele.

Literature cited by the submitters: PubMed 25394726 (cited by Variantyx, Inc.); PubMed 32141180 (cited by Variantyx, Inc.).